The following is an entry in ClinVar:

NM_001374259.2(IL12RB2):c.665-3T>A

Gene: IL12RB2 (interleukin 12 receptor subunit beta 2; plus strand). Cytogenetic location: 1p31.3.
Variant type: single nucleotide variant.
Coding change: c.665-3T>A on transcript NM_001374259.2 (MANE Select); 3 bases into the intron before coding-DNA position 665, T replaced by A.
Molecular consequence: intron variant.
Genome position (GRCh38, 1-based): chr1:67,329,584, T>A. VCF-style: chr1-67329584-T-A. GRCh37 (hg19) VCF-style: chr1-67795267-T-A.
Other names: c.665-3T>A (NM_001258214.1, NM_001319233.1, NM_001258216.1 and 2 more transcripts).
Identifiers: ClinVar variation 1950152 (VCV001950152.5), dbSNP rs747863379, ClinGen allele CA900265.

ClinVar aggregate classification (germline): Uncertain significance (1 of 4 stars; one submission).

Allele frequency attached by ClinVar (database versions not stated): gnomAD exomes below 0.00001; TOPMed below 0.00001; ExAC 0.00001.
gnomAD v4.1: 5 of 1,566,486 alleles (0.00032%); highest among the groups gnomAD compares: Admixed American, 0.0083%; no homozygotes.

Submission:

Labcorp Genetics (formerly Invitae), Labcorp
Classification: Uncertain significance. Last evaluated: 2022-02-08. Review status: criteria provided, single submitter. Criteria: Invitae Variant Classification Sherloc (09022015). Collection method: clinical testing. Allele origin: germline.
Comment: This sequence change falls in intron 5 of the IL12RB2 gene. It does not directly change the encoded amino acid sequence of the IL12RB2 protein. It affects a nucleotide within the consensus splice site. This variant is present in population databases (rs747863379, gnomAD 0.01%). This variant has not been reported in the literature in individuals affected with IL12RB2-related conditions. Variants that disrupt the consensus splice site are a relatively common cause of aberrant splicing (PMID: 17576681, 9536098). Algorithms developed to predict the effect of sequence changes on RNA splicing suggest that this variant may disrupt the consensus splice site. In summary, the available evidence is currently insufficient to determine the role of this variant in disease. Therefore, it has been classified as a Variant of Uncertain Significance.

Literature cited by the submitters: PubMed 17576681; PubMed 9536098.